The following is an entry in ClinVar:

ClinVar aggregate classification (germline): Pathogenic/Likely pathogenic. Review status: criteria provided, multiple submitters, no conflicts (2 of 4 stars). 3 submissions from 3 submitters: Pathogenic (2); Likely pathogenic (1). Last evaluated 2025-06-24.

Conditions:
Duchenne muscular dystrophy (DMD). Also called: MUSCULAR DYSTROPHY, PSEUDOHYPERTROPHIC PROGRESSIVE, DUCHENNE TYPE; Duchenne Muscular Dystrophy (DMD). Identifiers: Orphanet 98896, MedGen C0013264, MONDO:0010679, OMIM 310200.
Neuromuscular disease caused by qualitative or quantitative defects of dystrophin. Also called: Qualitative or quantitative defects of dystrophin. Identifiers: Orphanet 207085, MedGen C5679787, MONDO:0016147.
Progressive muscular dystrophy. Identifiers: Orphanet 206644, MedGen C4551827, MONDO:0016106.

Submissions (3):

Myriad Genetics, Inc.
Classification: Pathogenic for Progressive muscular dystrophy. Last evaluated: 2025-06-24. Review status: criteria provided, single submitter. Criteria: Myriad Autosomal Dominant, Autosomal Recessive and X-Linked Classification Criteria (2023). Collection method: clinical testing. Allele origin: unknown.
Comment: NM_004006.2(DMD):c.2168+2T>C is a variant in a canonical splice site classified as pathogenic in the context of dystrophinopathy (including Duchenne/Becker muscular dystrophy). c.2168+2T>C has not been observed in cases with relevant disease. Relevant functional assessments of this variant are not available in the literature. c.2168+2T>C has not been observed in referenced population frequency databases. In summary, NM_004006.2(DMD):c.2168+2T>C is a variant in a canonical splice site in a gene where loss of function is a known mechanism of disease and is predicted to disrupt protein function. Please note: this variant was assessed in the context of healthy population screening.

Labcorp Genetics (formerly Invitae), Labcorp
Classification: Pathogenic for Duchenne muscular dystrophy. Last evaluated: 2024-02-02. Review status: criteria provided, single submitter. Criteria: Invitae Variant Classification Sherloc (09022015). Collection method: clinical testing. Allele origin: germline.
Comment: This sequence change affects a donor splice site in intron 17 of the DMD gene. It is expected to disrupt RNA splicing. Variants that disrupt the donor or acceptor splice site typically lead to a loss of protein function (PMID: 16199547), and loss-of-function variants in DMD are known to be pathogenic (PMID: 16770791, 25007885). This variant is not present in population databases (gnomAD no frequency). Disruption of this splice site has been observed in individuals with Duchenne muscular dystrophy (PMID: 32194622). ClinVar contains an entry for this variant (Variation ID: 1704540). Algorithms developed to predict the effect of sequence changes on RNA splicing suggest that this variant may disrupt the consensus splice site. For these reasons, this variant has been classified as Pathogenic.

Women's Health and Genetics/Laboratory Corporation of America, LabCorp
Classification: Likely pathogenic for Neuromuscular disease caused by qualitative or quantitative defects of dystrophin. Last evaluated: 2022-07-05. Review status: criteria provided, single submitter. Criteria: LabCorp Variant Classification Summary - May 2015. Collection method: clinical testing. Allele origin: germline.
Comment: Variant summary: DMD c.2168+2T>C is located in a canonical splice-site and is predicted to affect mRNA splicing resulting in a significantly altered protein due to either exon skipping, shortening, or inclusion of intronic material. Several computational tools predict a significant impact on normal splicing: Three predict the variant abolishes a 5' splicing donor site and one predicts the variant weakens a 5' donor site. However, these predictions have yet to be confirmed by functional studies. The variant was absent in 182121 control chromosomes (gnomAD). To our knowledge, no occurrence of c.2168+2T>C in individuals affected with Dystrophinopathies and no experimental evidence demonstrating its impact on protein function have been reported. No clinical diagnostic laboratories have submitted clinical-significance assessments for this variant to ClinVar after 2014. Based on the evidence outlined above, the variant was classified as likely pathogenic.

Literature cited by the submitters: PubMed 16199547 (cited by Labcorp Genetics (formerly Invitae), Labcorp); PubMed 16770791 (cited by Labcorp Genetics (formerly Invitae), Labcorp); PubMed 25007885 (cited by Labcorp Genetics (formerly Invitae), Labcorp); PubMed 32194622 (cited by Labcorp Genetics (formerly Invitae), Labcorp).

NM_004006.3(DMD):c.2168+2T>C

Gene: DMD (dystrophin; minus strand). Cytogenetic location: Xp21.1.
Variant type: single nucleotide variant.
Coding change: c.2168+2T>C on transcript NM_004006.3 (MANE Select); the canonical splice donor site of the intron after coding-DNA position 2168, T replaced by C.
Molecular consequence: splice donor variant.
Genome position (GRCh38, 1-based): chrX:32,545,157, A>G on the plus strand (T>C on the coding strand, the complement: DMD is on the minus strand). VCF-style: chrX-32545157-A-G. GRCh37 (hg19) VCF-style: chrX-32563274-A-G.
Other names: c.2144+2T>C (NM_000109.4); c.2156+2T>C (NM_004009.3); c.1799+2T>C (NM_004010.3).
Identifiers: ClinVar variation 1704540 (VCV001704540.7), dbSNP rs886042618, ClinGen allele CA412667522.